The following is an entry in ClinVar:

ClinVar aggregate classification (germline): Likely pathogenic. Review status: criteria provided, multiple submitters, no conflicts (2 of 4 stars). 3 submissions from 3 submitters: Likely pathogenic (3). Last evaluated 2025-08-12.

Conditions:
COL3A1-related disorder. Also called: COL3A1-related condition.
Familial thoracic aortic aneurysm and aortic dissection (TAAD). Also called: Thoracic aortic aneurysms and dissections. Identifiers: Orphanet 91387, MedGen C4707243, MONDO:0019625.
Ehlers-Danlos syndrome, type 4 (EDSVASC). Also called: Ehlers-Danlos syndrome vascular type; Ehlers Danlos syndrome, ecchymotic type; Ehlers Danlos syndrome, arterial type; Ehlers Danlos syndrome, Sack-Barabas type; Ehlers-Danlos Syndrome Type IV. Identifiers: Orphanet 286, MedGen C0268338, MONDO:0017314, OMIM 130050.

Submissions (3):

PreventionGenetics, part of Exact Sciences
Classification: Likely pathogenic for COL3A1-related condition. Last evaluated: 2025-08-12. Review status: criteria provided, single submitter. Criteria: ACMG Guidelines, 2015. Collection method: clinical testing. Allele origin: germline.
Comment: The COL3A1 c.1241G>A variant is predicted to result in the amino acid substitution p.Gly414Asp. To our knowledge, this variant has not been reported in the literature or in a large population database (gnomAD), indicating this variant is rare. Different glycine substitutions affecting the same amino acid residue (p.Gly414Cys and p.Gly414Val) have been reported in individuals with Ehlers-Danlos syndrome, vascular type (Table S1, Pepin et al. 2014. PubMed ID: 24922459; Ferré et al. 2012. PubMed ID: 22492385; Legrand et al. 2019. PubMed ID: 30474650). The majority of documented causative missense variants in COL3A1 substitute a glycine residue to another amino acid in the Gly-X-Y triple helical domain (Pepin et al. 2014. PubMed ID: 24922459). In summary, this variant is interpreted as likely pathogenic.

Institute of Human Genetics Munich, TUM University Hospital
Classification: Likely pathogenic for Ehlers-Danlos syndrome, type 4. Last evaluated: 2023-05-25. Review status: criteria provided, single submitter. Criteria: Classification criteria August 2017. Collection method: clinical testing. Allele origin: germline. Inheritance: Autosomal dominant inheritance. Affected: yes. Observed: 1 variant allele.

Ambry Genetics
Classification: Likely pathogenic for Familial thoracic aortic aneurysm and aortic dissection. Last evaluated: 2020-10-20. Review status: criteria provided, single submitter. Criteria: Ambry Variant Classification Scheme 2023. Collection method: clinical testing. Allele origin: germline.
Comment: The p.G414D variant (also known as c.1241G>A), located in coding exon 18 of the COL3A1 gene, results from a G to A substitution at nucleotide position 1241. The glycine at codon 414 is replaced by aspartic acid, an amino acid with similar properties. The majority (approximately two-thirds) of COL3A1 mutations identified to date have involved the substitution of another amino acid for glycine within the triple-helical domain (Pepin MG et al. Genet Med. 2014;16(12):881-8; Frank M et al. Eur J Hum Genet. 2015;23(12):1657-64). Internal structural analysis indicates that this alteration disrupts the characteristic G-X-Y motif in the COL3A1 protein and inserts a bulky side chain into a sterically-constrained region (Bella J et al. Science. 1994;266:75-81; Hohenester E et al. Proc. Natl. Acad. Sci. U.S.A. 2008;105:18273-7; Ambry internal data). Alternate amino acid substitutions at this codon, p.G414V and p.G414C, have been reported in individuals with vascular Ehlers-Danlos syndrome (Ferre FC et al. BMJ Open. 2012;2(2):e000705; Pepin MG et al. Genet Med. 2014;16(12):881-8). This variant was not reported in population-based cohorts in the Genome Aggregation Database (gnomAD). This amino acid position is highly conserved in available vertebrate species. In addition, this alteration is predicted to be deleterious by in silico analysis. Based on the majority of available evidence to date, this variant is likely to be pathogenic.

Literature cited by the submitters: PubMed 22492385 (cited by Ambry Genetics); PubMed 30474650 (cited by Ambry Genetics).

NM_000090.4(COL3A1):c.1241G>A (p.Gly414Asp)

Gene: COL3A1 (collagen type III alpha 1 chain; plus strand). Cytogenetic location: 2q32.2.
Variant type: single nucleotide variant.
Coding change: c.1241G>A on transcript NM_000090.4 (MANE Select); coding-DNA position 1241, G replaced by A.
Protein change: p.Gly414Asp; replaces glycine 414 with aspartic acid.
Molecular consequence: missense variant.
Genome position (GRCh38, 1-based): chr2:188,994,280, G>A. VCF-style: chr2-188994280-G-A. GRCh37 (hg19) VCF-style: chr2-189859006-G-A.
Other names: short protein forms G414D.
Identifiers: ClinVar variation 263829 (VCV000263829.7), dbSNP rs794728044, ClinGen allele CA10587529.